The following is an entry in ClinVar:

NM_001267550.2(TTN):c.86891T>C (p.Leu28964Pro)

Genes: TTN (titin; minus strand), TTN-AS1 (TTN antisense RNA 1; plus strand). Cytogenetic location: 2q31.2.
Variant type: single nucleotide variant.
Coding change: c.86891T>C on transcript NM_001267550.2 (MANE Select); coding-DNA position 86891, T replaced by C.
Protein change: p.Leu28964Pro; replaces leucine 28964 with proline.
Molecular consequence: missense variant.
Genome position (GRCh38, 1-based): chr2:178,558,568, A>G on the plus strand (T>C on the coding strand, the complement: TTN is on the minus strand). VCF-style: chr2-178558568-A-G. GRCh37 (hg19) VCF-style: chr2-179423295-A-G.
Other names: c.81968T>C, p.Leu27323Pro (NM_001256850.1); c.59696T>C, p.Leu19899Pro (NM_003319.4); c.79187T>C, p.Leu26396Pro (NM_133378.4); c.60071T>C, p.Leu20024Pro (NM_133432.3); c.60272T>C, p.Leu20091Pro (NM_133437.4); short protein forms L20024P, L20091P, L26396P, L27323P, L28964P, L19899P.
Identifiers: ClinVar variation 1750763 (VCV001750763.2), dbSNP rs781089608, ClinGen allele CA1988412.

ClinVar aggregate classification (germline): Uncertain significance (1 of 4 stars; one submission).

Conditions:
Cardiovascular phenotype. Identifiers: MedGen CN230736.

Allele frequency attached by ClinVar (database versions not stated): gnomAD exomes below 0.00001; ExAC 0.00002.
gnomAD v4.1: 1 of 1,613,814 alleles (0.000062%); highest among the groups gnomAD compares: Admixed American, 0.0017%; no homozygotes.

Submission:

Ambry Genetics
Classification: Uncertain significance for Cardiovascular phenotype. Last evaluated: 2020-08-18. Review status: criteria provided, single submitter. Criteria: Ambry Variant Classification Scheme 2023. Collection method: clinical testing. Allele origin: germline.
Comment: The p.L19899P variant (also known as c.59696T>C), located in coding exon 154 of the TTN gene, results from a T to C substitution at nucleotide position 59696. The leucine at codon 19899 is replaced by proline, an amino acid with similar properties. This amino acid position is well conserved in available vertebrate species. In addition, this alteration is predicted to be tolerated by in silico analysis. Since supporting evidence is limited at this time, the clinical significance of this alteration remains unclear.